The following is an entry in ClinVar:

ClinVar aggregate classification (germline): Likely pathogenic (1 of 4 stars; one submission).

Conditions:
Hereditary factor VIII deficiency disease (HEMA). Also called: HEMOPHILIA, CLASSIC; AUTOSOMAL HEMOPHILIA A; Hemophilia A; Hemophilia A, congenital; HEM A; Factor 8 deficiency, congenital. Identifiers: Orphanet 98878, MedGen C0019069, MONDO:0010602, OMIM 306700.

Submission:

Myriad Genetics, Inc.
Classification: Likely pathogenic for Hereditary factor VIII deficiency disease. Last evaluated: 2025-05-13. Review status: criteria provided, single submitter. Criteria: Myriad Autosomal Dominant, Autosomal Recessive and X-Linked Classification Criteria (2023). Collection method: clinical testing. Allele origin: unknown.
Comment: NM_000132.3(F8):c.6623A>C(Q2208P) is a missense variant classified as likely pathogenic in the context of hemophilia A. Q2208P has been observed in cases with relevant disease (PMID: 28056528, 17973853). Relevant functional assessments of this variant are not available in the literature. Q2208P has not been observed in referenced population frequency databases. In summary, NM_000132.3(F8):c.6623A>C(Q2208P) is a missense variant that has internal structural support for pathogenicity and has been observed more frequently in cases with the relevant disease than in healthy populations. Please note: this variant was assessed in the context of healthy population screening.

Literature cited by the submitters: PubMed 17973853; PubMed 28056528.

NM_000132.4(F8):c.6623A>C (p.Gln2208Pro)

Gene: F8 (coagulation factor VIII; minus strand). Cytogenetic location: Xq28.
Variant type: single nucleotide variant.
Coding change: c.6623A>C on transcript NM_000132.4 (MANE Select); coding-DNA position 6623, A replaced by C.
Protein change: p.Gln2208Pro; replaces glutamine 2208 with proline.
Molecular consequence: missense variant.
Genome position (GRCh38, 1-based): chrX:154,861,818, T>G on the plus strand (A>C on the coding strand, the complement: F8 is on the minus strand). VCF-style: chrX-154861818-T-G. GRCh37 (hg19) VCF-style: chrX-154090093-T-G.
Other names: c.218A>C, p.Gln73Pro (NM_019863.3); short protein forms Q2208P, Q73P.
Identifiers: ClinVar variation 4081669 (VCV004081669.1).